The following is an entry in ClinVar:

ClinVar aggregate classification (germline): Likely benign (1 of 4 stars; one submission).

Submission:

Athena Diagnostics
Classification: Likely benign. Last evaluated: 2025-03-03. Review status: criteria provided, single submitter. Criteria: Athena Diagnostics Criteria. Collection method: clinical testing. Allele origin: unknown.
Comment: This variant has not been reported in large, multi-ethnic general populations. Computational tools yielded predictions that this variant is unlikely to have an effect on normal RNA splicing. This nucleotide position exhibits low evolutionary conservation. This variant has been seen where an alternate explanation for disease was also identified.

NM_001271.4(CHD2):c.2598G>C (p.Ser866=)

Gene: CHD2 (chromodomain helicase DNA binding protein 2; plus strand). Cytogenetic location: 15q26.1.
Variant type: single nucleotide variant.
Coding change: c.2598G>C on transcript NM_001271.4 (MANE Select); coding-DNA position 2598, G replaced by C.
Protein change: p.Ser866=; no amino-acid change (serine 866 retained).
Molecular consequence: synonymous variant.
Genome position (GRCh38, 1-based): chr15:92,978,254, G>C. VCF-style: chr15-92978254-G-C. GRCh37 (hg19) VCF-style: chr15-93521484-G-C.
Identifiers: ClinVar variation 4682451 (VCV004682451.1).